The following is an entry in ClinVar:

ClinVar aggregate classification (germline): Uncertain significance. Review status: criteria provided, multiple submitters, no conflicts (2 of 4 stars). 2 submissions from 2 submitters: Uncertain significance (2). Last evaluated 2022-11-07.

Conditions:
Spastic paraplegia. Identifiers: MedGen C0037772, HP:0001258.

Allele frequency attached by ClinVar (database versions not stated): gnomAD exomes below 0.00001; ExAC 0.00002; TOPMed 0.00002; ESP Exome Variant Server 0.00008.
gnomAD v4.1: 5 of 1,613,564 alleles (0.00031%); highest among the groups gnomAD compares: East Asian, 0.0045%; no homozygotes.

Submissions (2):

Mayo Clinic Laboratories, Mayo Clinic
Classification: Uncertain significance. Last evaluated: 2022-11-07. Review status: criteria provided, single submitter. Criteria: ACMG Guidelines, 2015. Collection method: clinical testing. Allele origin: germline. Observed: 1 variant allele.
Comment: BP4, PM2

Labcorp Genetics (formerly Invitae), Labcorp
Classification: Uncertain significance for Spastic paraplegia. Last evaluated: 2022-07-29. Review status: criteria provided, single submitter. Criteria: Invitae Variant Classification Sherloc (09022015). Collection method: clinical testing. Allele origin: germline.
Comment: This sequence change replaces methionine, which is neutral and non-polar, with threonine, which is neutral and polar, at codon 301 of the CYP7B1 protein (p.Met301Thr). This variant is present in population databases (rs370002054, gnomAD 0.006%). This variant has not been reported in the literature in individuals affected with CYP7B1-related conditions. ClinVar contains an entry for this variant (Variation ID: 1375413). Algorithms developed to predict the effect of missense changes on protein structure and function output the following: SIFT: "Tolerated"; PolyPhen-2: "Benign"; Align-GVGD: "Class C0". The threonine amino acid residue is found in multiple mammalian species, which suggests that this missense change does not adversely affect protein function. In summary, the available evidence is currently insufficient to determine the role of this variant in disease. Therefore, it has been classified as a Variant of Uncertain Significance.

NM_004820.5(CYP7B1):c.902T>C (p.Met301Thr)

Gene: CYP7B1 (cytochrome P450 family 7 subfamily B member 1; minus strand). Cytogenetic location: 8q12.3.
Variant type: single nucleotide variant.
Coding change: c.902T>C on transcript NM_004820.5 (MANE Select); coding-DNA position 902, T replaced by C.
Protein change: p.Met301Thr; replaces methionine 301 with threonine.
Molecular consequence: missense variant.
Genome position (GRCh38, 1-based): chr8:64,615,181, A>G on the plus strand (T>C on the coding strand, the complement: CYP7B1 is on the minus strand). VCF-style: chr8-64615181-A-G. GRCh37 (hg19) VCF-style: chr8-65527738-A-G.
Other names: p.Met301Thr; c.902T>C, p.Met301Thr (NM_001324112.2); short protein forms M301T.
Identifiers: ClinVar variation 1375413 (VCV001375413.6), dbSNP rs370002054, ClinGen allele CA4764116.